The following is an entry in ClinVar:

ClinVar aggregate classification (germline): Uncertain significance (1 of 4 stars; one submission).

Submission:

Labcorp Genetics (formerly Invitae), Labcorp
Classification: Uncertain significance. Last evaluated: 2022-03-23. Review status: criteria provided, single submitter. Criteria: Invitae Variant Classification Sherloc (09022015). Collection method: clinical testing. Allele origin: germline.
Comment: In summary, the available evidence is currently insufficient to determine the role of this variant in disease. Therefore, it has been classified as a Variant of Uncertain Significance. Algorithms developed to predict the effect of missense changes on protein structure and function are either unavailable or do not agree on the potential impact of this missense change (SIFT: "Deleterious"; PolyPhen-2: "Probably Damaging"; Align-GVGD: "Class C0"). This variant has not been reported in the literature in individuals affected with ARHGEF18-related conditions. This variant is not present in population databases (gnomAD no frequency). This sequence change replaces arginine, which is basic and polar, with cysteine, which is neutral and slightly polar, at codon 884 of the ARHGEF18 protein (p.Arg884Cys).

NM_001367823.1(ARHGEF18):c.3214C>T (p.Arg1072Cys)

Gene: ARHGEF18 (Rho/Rac guanine nucleotide exchange factor 18; plus strand). Cytogenetic location: 19p13.2.
Variant type: single nucleotide variant.
Coding change: c.3214C>T on transcript NM_001367823.1 (MANE Select); coding-DNA position 3214, C replaced by T.
Protein change: p.Arg1072Cys; replaces arginine 1072 with cysteine.
Molecular consequence: missense variant.
Genome position (GRCh38, 1-based): chr19:7,467,418, C>T. VCF-style: chr19-7467418-C-T. GRCh37 (hg19) VCF-style: chr19-7532304-C-T.
Other names: c.2488C>T, p.Arg830Cys (NM_001130955.2); c.2176C>T, p.Arg726Cys (NM_001367824.1, NM_015318.4); short protein forms R726C, R830C, R1072C.
Identifiers: ClinVar variation 2115756 (VCV002115756.4), dbSNP rs537838138, ClinGen allele CA403088136.